The following is an entry in ClinVar:

ClinVar aggregate classification (germline): Uncertain significance. Review status: criteria provided, multiple submitters, no conflicts (2 of 4 stars). 2 submissions from 2 submitters: Uncertain significance (2). Last evaluated 2023-09-01.

Allele frequency attached by ClinVar (database versions not stated): ExAC 0.00002; gnomAD exomes 0.00003; gnomAD 0.00005; TOPMed 0.00005; ESP Exome Variant Server 0.00015.
gnomAD v4.1: 127 of 1,612,978 alleles (0.0079%); highest among the groups gnomAD compares: Non-Finnish European, 0.0095%; no homozygotes.

Submissions (2):

CeGaT Center for Human Genetics Tuebingen
Classification: Uncertain significance. Last evaluated: 2023-09-01. Review status: criteria provided, single submitter. Criteria: CeGaT Center For Human Genetics Tuebingen Variant Classification Criteria Version 2. Collection method: clinical testing. Allele origin: germline. Affected: yes. Observed: 1 variant allele.
Comment: ARPC1B: PM2

Labcorp Genetics (formerly Invitae), Labcorp
Classification: Uncertain significance. Last evaluated: 2022-07-06. Review status: criteria provided, single submitter. Criteria: Invitae Variant Classification Sherloc (09022015). Collection method: clinical testing. Allele origin: germline.
Comment: In summary, the available evidence is currently insufficient to determine the role of this variant in disease. Therefore, it has been classified as a Variant of Uncertain Significance. Variants that disrupt the consensus splice site are a relatively common cause of aberrant splicing (PMID: 17576681, 9536098). Algorithms developed to predict the effect of sequence changes on RNA splicing suggest that this variant may disrupt the consensus splice site. ClinVar contains an entry for this variant (Variation ID: 1490934). This variant has not been reported in the literature in individuals affected with ARPC1B-related conditions. This variant is present in population databases (rs368278816, gnomAD 0.006%). This sequence change falls in intron 9 of the ARPC1B gene. It does not directly change the encoded amino acid sequence of the ARPC1B protein. It affects a nucleotide within the consensus splice site.

Literature cited by the submitters: PubMed 17576681 (cited by Labcorp Genetics (formerly Invitae), Labcorp); PubMed 9536098 (cited by Labcorp Genetics (formerly Invitae), Labcorp).

NM_005720.4(ARPC1B):c.1080+4A>C

Gene: ARPC1B (actin related protein 2/3 complex subunit 1B; plus strand). Cytogenetic location: 7q22.1.
Variant type: single nucleotide variant.
Coding change: c.1080+4A>C on transcript NM_005720.4 (MANE Select); 4 bases into the intron after coding-DNA position 1080, A replaced by C.
Molecular consequence: intron variant.
Genome position (GRCh38, 1-based): chr7:99,394,123, A>C. VCF-style: chr7-99394123-A-C. GRCh37 (hg19) VCF-style: chr7-98991746-A-C.
Identifiers: ClinVar variation 1490934 (VCV001490934.29), dbSNP rs368278816, ClinGen allele CA4364213.